The following is an entry in ClinVar:

NM_005909.5(MAP1B):c.2129A>G (p.Lys710Arg)

Gene: MAP1B (microtubule associated protein 1B; plus strand). Cytogenetic location: 5q13.2.
Variant type: single nucleotide variant.
Coding change: c.2129A>G on transcript NM_005909.5 (MANE Select); coding-DNA position 2129, A replaced by G.
Protein change: p.Lys710Arg; replaces lysine 710 with arginine.
Molecular consequence: missense variant.
Genome position (GRCh38, 1-based): chr5:72,195,484, A>G. VCF-style: chr5-72195484-A-G. GRCh37 (hg19) VCF-style: chr5-71491311-A-G.
Other names: NC_000005.9:g.71491311A>G; c.1751A>G, p.Lys584Arg (NM_001324255.2); short protein forms K584R, K710R.
Identifiers: ClinVar variation 712572 (VCV000712572.6), dbSNP rs138733653, ClinGen allele CA3298784.

ClinVar aggregate classification (germline): Benign. Review status: criteria provided, single submitter (1 of 4 stars). 2 submissions from 2 submitters: Benign (1). 1 of the submissions does not count toward it. Last evaluated 2018-12-03.

Conditions:
MAP1B-related disorder. Also called: MAP1B-related condition.

Allele frequency attached by ClinVar (database versions not stated): gnomAD exomes 0.00023 and 0.00066; ExAC 0.00110; gnomAD 0.00263 and 0.00281; TOPMed 0.00292; ESP Exome Variant Server 0.00331; 1000 Genomes Project 0.00339; 1000 Genomes Project 30x 0.00359.
gnomAD v4.1: 740 of 1,588,886 alleles (0.047%); highest among the groups gnomAD compares: African/African-American, 0.92%; 1 homozygote.

Submissions (3):

Labcorp Genetics (formerly Invitae), Labcorp
Classification: Benign. Last evaluated: 2018-12-03. Review status: criteria provided, single submitter. Criteria: Invitae Variant Classification Sherloc (09022015). Collection method: clinical testing. Allele origin: germline.

PreventionGenetics, part of Exact Sciences
Classification: Benign for MAP1B-related condition. Last evaluated: 2019-08-12. Review status: no assertion criteria provided. Collection method: clinical testing. Allele origin: germline. Not counted in ClinVar's aggregate classification.
Comment: This variant is classified as benign based on ACMG/AMP sequence variant interpretation guidelines (Richards et al. 2015 PMID: 25741868, with internal and published modifications).

Dr. Peter K. Rogan Lab, Western University
No classification provided (evidence only). Condition: Familial cancer of breast. Review status: no classification provided. Collection method: in vitro. Allele origin: not applicable. Functional consequence: retained intron. Not counted in ClinVar's aggregate classification.